The following is an entry in ClinVar:

ClinVar aggregate classification (germline): Uncertain significance. Review status: criteria provided, multiple submitters, no conflicts (2 of 4 stars). 2 submissions from 2 submitters: Uncertain significance (2). Last evaluated 2024-12-01.

Conditions:
Maple syrup urine disease (MSUD). Identifiers: Orphanet 511, MedGen C0024776, MeSH D008375, MONDO:0009563. Disease mechanism: loss of function.

Allele frequency attached by ClinVar (database versions not stated): gnomAD exomes below 0.00001; gnomAD 0.00001; TOPMed 0.00001.
gnomAD v4.1: 3 of 1,612,918 alleles (0.00019%); highest among the groups gnomAD compares: Admixed American, 0.0033%; no homozygotes.

Submissions (2):

Dasa
Classification: Uncertain significance. Last evaluated: 2024-12-01. Review status: criteria provided, single submitter. Criteria: DASA Assertion Criteria. Collection method: clinical testing. Allele origin: germline.
Comment: NM_001918.5(DBT):c.815A>G (p.Lys272Arg) is a missense variant that results in the substitution of lysine with arginine. This variant is rare in population databases. Computational prediction algorithms are consistent with a benign effect. The currently available literature and clinical evidence are not sufficient to establish a definitive association between this variant and the reported condition. Therefore, this variant is classified as a variant of uncertain significance.

Labcorp Genetics (formerly Invitae), Labcorp
Classification: Uncertain significance for Maple syrup urine disease. Last evaluated: 2022-10-17. Review status: criteria provided, single submitter. Criteria: Invitae Variant Classification Sherloc (09022015). Collection method: clinical testing. Allele origin: germline.
Comment: This sequence change replaces lysine, which is basic and polar, with arginine, which is basic and polar, at codon 272 of the DBT protein (p.Lys272Arg). This variant is not present in population databases (gnomAD no frequency). This variant has not been reported in the literature in individuals affected with DBT-related conditions. ClinVar contains an entry for this variant (Variation ID: 1035264). Advanced modeling of protein sequence and biophysical properties (such as structural, functional, and spatial information, amino acid conservation, physicochemical variation, residue mobility, and thermodynamic stability) has been performed at Invitae for this missense variant, however the output from this modeling did not meet the statistical confidence thresholds required to predict the impact of this variant on DBT protein function. In summary, the available evidence is currently insufficient to determine the role of this variant in disease. Therefore, it has been classified as a Variant of Uncertain Significance.

NM_001918.5(DBT):c.815A>G (p.Lys272Arg)

Gene: DBT (dihydrolipoamide branched chain transacylase E2; minus strand). Cytogenetic location: 1p21.2.
Variant type: single nucleotide variant.
Coding change: c.815A>G on transcript NM_001918.5 (MANE Select); coding-DNA position 815, A replaced by G.
Protein change: p.Lys272Arg; replaces lysine 272 with arginine.
Molecular consequence: missense variant.
Genome position (GRCh38, 1-based): chr1:100,214,941, T>C on the plus strand (A>G on the coding strand, the complement: DBT is on the minus strand). VCF-style: chr1-100214941-T-C. GRCh37 (hg19) VCF-style: chr1-100680497-T-C.
Other names: short protein forms K272R.
Identifiers: ClinVar variation 1035264 (VCV001035264.10), dbSNP rs1662393960, ClinGen allele CA341337848.